The following is an entry in ClinVar:

NM_007294.4(BRCA1):c.737del (p.Asp245_Leu246insTer)

Gene: BRCA1 (BRCA1 DNA repair associated; minus strand). Cytogenetic location: 17q21.31.
Variant type: Deletion.
Coding change: c.737del on transcript NM_007294.4 (MANE Select); coding-DNA position 737, one base deleted (T; older notation c.737delT).
Protein change: p.Asp245_Leu246insTer.
Molecular consequence: nonsense. On other transcripts: frameshift variant (352), non-coding transcript variant (1).
Genome position (GRCh38, 1-based): chr17:43,094,794, A deleted on the plus strand (T on the coding strand, the reverse complement: BRCA1 is on the minus strand); the first of 3 consecutive A bases (chr17:43,094,794-43,094,796); deleting any one gives the same sequence. VCF-style (leftmost placement, unchanged base first): chr17-43094793-CA-C. GRCh37 (hg19) VCF-style: chr17-41246810-CA-C.
Other names: p.L246X:TTG>TGA; c.737del (NM_007294.3); c.737delT (NM_007294.3); c.609delT, p.Leu204Terfs (NM_001407649.1, NM_001407670.1, NM_001407671.1 and 20 more transcripts); c.735delT, p.Leu246Terfs (NM_001407652.1, NM_001407684.1, NM_001407854.1 and 53 more transcripts); c.657delT, p.Leu220Terfs (NM_001407653.1, NM_001407654.1, NM_001407655.1 and 9 more transcripts); c.654delT, p.Leu219Terfs (NM_001407659.1, NM_001407660.1, NM_001407661.1 and 3 more transcripts); c.612delT, p.Leu205Terfs (NM_001407664.1, NM_001407665.1, NM_001407666.1 and 34 more transcripts); and 19 more.
Identifiers: ClinVar variation 55683 (VCV000055683.16), dbSNP rs397509312, ClinGen allele CA003844.
Genomic context (GRCh38, chr17:43,094,793, plus strand): 5'-AACAGAACTACCCTGATACTTTTCTGGATGCCTCTCAGCTGCACGCTTCTCAGTGGTGTT[CA>C]AATCATTATTACTGGGTTGATGATGTTCAGTATTTGTTACATCCGTCTCAGAAAATTCAC-3'

ClinVar aggregate classification (germline): Pathogenic. Review status: reviewed by expert panel (3 of 4 stars). 5 submissions from 5 submitters: Pathogenic (1). 4 of the submissions do not count toward it. Last evaluated 2016-09-08.

Conditions:
Hereditary breast ovarian cancer syndrome. Also called: BRCA1- and BRCA2-Associated Hereditary Breast and Ovarian Cancer; Hereditary breast and ovarian cancer syndrome; Hereditary breast and ovarian cancer syndrome (HBOC); Breast and ovarian cancer; Hereditary breast and/or ovarian cancer syndrome; Hereditary breast and ovarian cancer. Identifiers: Orphanet 145, MedGen C0677776, MeSH D061325, MONDO:0003582. Disease mechanism: loss of function.
Familial cancer of breast. Also called: hereditary breast carcinoma; BREAST CANCER, FAMILIAL; Hereditary breast cancer. Identifiers: Orphanet 227535, MedGen C0346153, MONDO:0016419, OMIM 114480. Disease mechanism: loss of function.
Breast-ovarian cancer, familial, susceptibility to, 1 (BROVCA1). Also called: BRCA1 Hereditary Breast and Ovarian Cancer; OVARIAN CANCER, SUSCEPTIBILITY TO. Identifiers: Orphanet 145, MedGen C2676676, MONDO:0011450, OMIM 604370. Disease mechanism: loss of function.

Submissions (5):

Evidence-based Network for the Interpretation of Germline Mutant Alleles (ENIGMA)
Classification: Pathogenic for Breast-ovarian cancer, familial, susceptibility to, 1. Last evaluated: 2016-09-08. Review status: reviewed by expert panel. Criteria: ENIGMA BRCA1/2 Classification Criteria (2015). Collection method: curation. Allele origin: germline.
Comment: Variant allele predicted to encode a truncated non-functional protein.

GeneDx
Classification: Pathogenic. Last evaluated: 2024-09-17. Review status: criteria provided, single submitter. Criteria: GeneDx Variant Classification Process June 2021. Collection method: clinical testing. Allele origin: germline. Affected: yes. Not counted in ClinVar's aggregate classification.
Comment: Nonsense variant predicted to result in protein truncation or nonsense mediated decay in a gene for which loss of function is a known mechanism of disease; Not observed at significant frequency in large population cohorts (gnomAD); Truncating variants in this gene are considered pathogenic by a well-established clinical consortium and/or database; Also known as 856del and (p.Asp245_Leu246isTer); This variant is associated with the following publications: (PMID: 31159747, 20104584, 21324516, 36980780, 31409081, 29785153, 37239058)

Labcorp Genetics (formerly Invitae), Labcorp
Classification: Pathogenic for Hereditary breast ovarian cancer syndrome. Last evaluated: 2024-03-26. Review status: criteria provided, single submitter. Criteria: Invitae Variant Classification Sherloc (09022015). Collection method: clinical testing. Allele origin: germline. Not counted in ClinVar's aggregate classification.
Comment: This sequence change creates a premature translational stop signal (p.Leu246*) in the BRCA1 gene. It is expected to result in an absent or disrupted protein product. Loss-of-function variants in BRCA1 are known to be pathogenic (PMID: 20104584). This variant is not present in population databases (gnomAD no frequency). This premature translational stop signal has been observed in individual(s) with breast and/or ovarian cancer (PMID: 21324516, 29785153). This variant is also known as c.856delT. ClinVar contains an entry for this variant (Variation ID: 55683). Algorithms developed to predict the effect of sequence changes on RNA splicing suggest that this variant may disrupt the consensus splice site. For these reasons, this variant has been classified as Pathogenic.

GeneKor MSA
Classification: Pathogenic for Hereditary Breast Carcinoma. Last evaluated: 2020-01-01. Review status: criteria provided, single submitter. Criteria: ACMG Guidelines, 2015. Collection method: clinical testing. Allele origin: germline. Affected: yes. Not counted in ClinVar's aggregate classification.
Comment: This variation is a deletion of 1 nucleotide from exon 11 of the BRCA1 mRNA (c.737delT), causing a frameshift at codon 246. This creates a premature translation stop signal at this position and is expected to result in an absent or disrupted protein product. This mutation has been described in the mutation database ClinVar (Variation ID: 55683).

Research Molecular Genetics Laboratory, Women's College Hospital, University of Toronto
Classification: Pathogenic for Hereditary breast ovarian cancer syndrome. Last evaluated: 2014-01-31. Review status: no assertion criteria provided. Collection method: research. Allele origin: germline. Affected: yes. Study: The Canadian Open Genetics Repository (COGR). Not counted in ClinVar's aggregate classification.

Literature cited by the submitters: PubMed 20104584 (cited by Labcorp Genetics (formerly Invitae), Labcorp); PubMed 21324516 (cited by Labcorp Genetics (formerly Invitae), Labcorp); PubMed 29785153 (cited by Labcorp Genetics (formerly Invitae), Labcorp).